The following is an entry in ClinVar:

NM_000666.3(ACY1):c.561_562del (p.Phe187fs)

Genes: ABHD14A-ACY1 (ABHD14A-ACY1 readthrough; plus strand), ACY1 (aminoacylase 1; plus strand). Cytogenetic location: 3p21.2.
Variant type: Deletion.
Coding change: c.561_562del on transcript NM_000666.3 (MANE Select); coding-DNA positions 561 to 562, 2 bases deleted (TT; older notation c.561_562delTT).
Protein change: p.Phe187fs; shifts the reading frame from phenylalanine 187.
Molecular consequence: frameshift variant.
Genome position (GRCh38, 1-based): chr3:51,986,639-51,986,640, TT deleted; deleting any 2 consecutive bases within chr3:51,986,637-51,986,640 gives the same sequence; the c. name uses the placement nearest the transcript's 3' end. VCF-style (leftmost placement, unchanged base first): chr3-51986636-CTT-C. GRCh37 (hg19) VCF-style: chr3-52020652-CTT-C.
Other names: c.831_832del, p.Phe277fs (NM_001316331.2); c.561_562del, p.Phe187fs (NM_001198895.2, NM_001198897.2); c.345_346del, p.Phe115fs (NM_001198896.2); c.456_457del, p.Phe152fs (NM_001198898.2); short protein forms F187fs, F115fs, F152fs, F277fs.
Identifiers: ClinVar variation 4706429 (VCV004706429.2).

ClinVar aggregate classification (germline): Pathogenic/Likely pathogenic. Review status: criteria provided, multiple submitters, no conflicts (2 of 4 stars). 2 submissions from 2 submitters: Pathogenic (1); Likely pathogenic (1). Last evaluated 2025-10-21.

Submissions (2):

Labcorp Genetics (formerly Invitae), Labcorp
Classification: Pathogenic. Last evaluated: 2025-10-21. Review status: criteria provided, single submitter. Criteria: Invitae Variant Classification Sherloc (09022015). Collection method: clinical testing. Allele origin: germline.
Comment: This sequence change creates a premature translational stop signal (p.Phe187Leufs*2) in the ACY1 gene. It is expected to result in an absent or disrupted protein product. Loss-of-function variants in ACY1 are known to be pathogenic (PMID: 16465618, 21414403, 24997716). This variant is present in population databases (rs762709516, gnomAD 0.01%). This variant has not been reported in the literature in individuals affected with ACY1-related conditions. For these reasons, this variant has been classified as Pathogenic.

Dasa
Classification: Likely pathogenic. Last evaluated: 2024-07-16. Review status: criteria provided, single submitter. Criteria: DASA Assertion Criteria. Collection method: clinical testing. Allele origin: germline.
Comment: NM_000666.3(ACY1):c.561_562del (p.Phe187Leufs*2) introduces a premature termination codon predicted to result in loss of normal protein function. Loss-of-function is an established mechanism of disease for this gene. The variant is present at low frequency in population datasets. Based on the available data, this variant is classified as likely pathogenic.

Literature cited by the submitters: PubMed 16465618 (cited by Labcorp Genetics (formerly Invitae), Labcorp); PubMed 21414403 (cited by Labcorp Genetics (formerly Invitae), Labcorp); PubMed 24997716 (cited by Labcorp Genetics (formerly Invitae), Labcorp).